The following is an entry in ClinVar:

ClinVar aggregate classification (germline): Likely pathogenic (1 of 4 stars; one submission).

Conditions:
Hyperkalemic periodic paralysis. Also called: Familial hyperkalemic periodic paralysis; Gamstorp disease. Identifiers: Orphanet 682, MedGen C0238357, MONDO:0008224, OMIM 170500, HP:0007215.

Submission:

Labcorp Genetics (formerly Invitae), Labcorp
Classification: Likely pathogenic for Hyperkalemic periodic paralysis. Last evaluated: 2024-02-14. Review status: criteria provided, single submitter. Criteria: Invitae Variant Classification Sherloc (09022015). Collection method: clinical testing. Allele origin: germline.
Comment: This sequence change replaces isoleucine, which is neutral and non-polar, with valine, which is neutral and non-polar, at codon 239 of the SCN4A protein (p.Ile239Val). This variant is not present in population databases (gnomAD no frequency). This missense change has been observed in individuals with autosomal dominant SCN4A-related conditions (Invitae). It has also been observed to segregate with disease in related individuals. ClinVar contains an entry for this variant (Variation ID: 852330). Advanced modeling of protein sequence and biophysical properties (such as structural, functional, and spatial information, amino acid conservation, physicochemical variation, residue mobility, and thermodynamic stability) has been performed at Invitae for this missense variant, however the output from this modeling did not meet the statistical confidence thresholds required to predict the impact of this variant on SCN4A protein function. In summary, the currently available evidence indicates that the variant is pathogenic, but additional data are needed to prove that conclusively. Therefore, this variant has been classified as Likely Pathogenic.

NM_000334.4(SCN4A):c.715A>G (p.Ile239Val)

Gene: SCN4A (sodium voltage-gated channel alpha subunit 4; minus strand). Cytogenetic location: 17q23.3.
Variant type: single nucleotide variant.
Coding change: c.715A>G on transcript NM_000334.4 (MANE Select); coding-DNA position 715, A replaced by G.
Protein change: p.Ile239Val; replaces isoleucine 239 with valine.
Molecular consequence: missense variant.
Genome position (GRCh38, 1-based): chr17:63,968,344, T>C on the plus strand (A>G on the coding strand, the complement: SCN4A is on the minus strand). VCF-style: chr17-63968344-T-C. GRCh37 (hg19) VCF-style: chr17-62045704-T-C.
Other names: short protein forms I239V.
Identifiers: ClinVar variation 852330 (VCV000852330.17), dbSNP rs1909519361, ClinGen allele CA400637904.